The following is an entry in ClinVar:

ClinVar aggregate classification (germline): Conflicting classifications of pathogenicity. Review status: criteria provided, conflicting classifications (1 of 4 stars). 6 submissions from 6 submitters: Pathogenic (1); Likely pathogenic (4); Uncertain significance (1). Last evaluated 2026-01-15.

Conditions:
Retinitis pigmentosa 12 (RP12). Also called: RP WITH OR WITHOUT PPRPE; RP WITH OR WITHOUT PRESERVED PARAARTERIOLE RETINAL PIGMENT EPITHELIUM; RETINITIS PIGMENTOSA WITH OR WITHOUT PARAARTERIOLAR PRESERVATION OF RETINAL PIGMENT EPITHELIUM. Identifiers: Orphanet 791, MedGen C1838647, MONDO:0010818, OMIM 600105.
Leber congenital amaurosis 8 (LCA8). Identifiers: Orphanet 65, MedGen C3151202, MONDO:0013453, OMIM 613835.
CRB1-related disorder. Also called: CRB1-related condition; CRB1-related disorders.
Leber congenital amaurosis (LCA). Also called: Leber's amaurosis. Identifiers: Orphanet 65, MedGen C0339527, MeSH D057130, MONDO:0018998.

Allele frequency attached by ClinVar (database versions not stated): gnomAD exomes below 0.00001; TOPMed below 0.00001; ExAC 0.00001; gnomAD 0.00001.
gnomAD v4.1: 2 of 1,611,830 alleles (0.00012%); highest among the groups gnomAD compares: Non-Finnish European, 0.00017%; no homozygotes.

Submissions (6):

Natera, Inc.
Classification: Likely pathogenic for Leber congenital amaurosis. Last evaluated: 2026-01-15. Review status: criteria provided, single submitter. Criteria: Natera Variant Classification Schema (03/2026). Collection method: clinical testing. Allele origin: germline.
Comment: The c.407G>A variant in CRB1 is a missense variant predicted to cause substitution of cysteine to tyrosine at amino acid 136. This variant is rare in the general population with a frequency below the threshold expected for the associated phenotype(s). This variant has been observed in one or more individuals affected with the associated recessive disease, as either homozygous or compound heterozygous with a second variant (PMID: 37240262). Additionally, this variant has been observed to segregate in affected family members (PMID: 37240262). Computational prediction algorithms indicate this variant is likely to affect gene or protein function. Given the available evidence, this variant is classified as Likely Pathogenic.

Labcorp Genetics (formerly Invitae), Labcorp
Classification: Uncertain significance for Leber congenital amaurosis 8; Retinitis pigmentosa 12. Last evaluated: 2024-06-30. Review status: criteria provided, single submitter. Criteria: Invitae Variant Classification Sherloc (09022015). Collection method: clinical testing. Allele origin: germline.
Comment: This sequence change replaces cysteine, which is neutral and slightly polar, with tyrosine, which is neutral and polar, at codon 136 of the CRB1 protein (p.Cys136Tyr). This variant is present in population databases (rs752559648, gnomAD 0.0009%). This missense change has been observed in individuals with CRB1-related conditions (PMID: 26766544, 31879567, 32531858). ClinVar contains an entry for this variant (Variation ID: 871213). Advanced modeling of protein sequence and biophysical properties (such as structural, functional, and spatial information, amino acid conservation, physicochemical variation, residue mobility, and thermodynamic stability) has been performed at Invitae for this missense variant, however the output from this modeling did not meet the statistical confidence thresholds required to predict the impact of this variant on CRB1 protein function. In summary, the available evidence is currently insufficient to determine the role of this variant in disease. Therefore, it has been classified as a Variant of Uncertain Significance.

GeneDx
Classification: Likely pathogenic. Last evaluated: 2023-08-10. Review status: criteria provided, single submitter. Criteria: GeneDx Variant Classification Process June 2021. Collection method: clinical testing. Allele origin: germline. Affected: yes.
Comment: Not observed at significant frequency in large population cohorts (gnomAD); In silico analysis supports that this missense variant has a deleterious effect on protein structure/function; This variant is associated with the following publications: (PMID: 31964843, 31879567, 26766544, 32531858)

Baylor Genetics
Classification: Likely pathogenic for Leber congenital amaurosis 8. Last evaluated: 2023-07-09. Review status: criteria provided, single submitter. Criteria: ACMG Guidelines, 2015. Collection method: clinical testing. Allele origin: unknown.

Blueprint Genetics
Classification: Likely pathogenic for CRB1-related disorders. Last evaluated: 2019-10-11. Review status: criteria provided, single submitter. Criteria: ACMG Guidelines, 2015. Collection method: clinical testing. Allele origin: germline. Affected: yes. Observed: 1 variant allele.

CeGaT Center for Human Genetics Tuebingen
Classification: Pathogenic. Last evaluated: 2018-06-01. Review status: criteria provided, single submitter. Criteria: CeGaT Center For Human Genetics Tuebingen Variant Classification Criteria Version 2. Collection method: clinical testing. Allele origin: germline. Affected: yes. Observed: 2 variant alleles.

Literature cited by the submitters: PubMed 37240262 (cited by Natera, Inc.); PubMed 26766544 (cited by Labcorp Genetics (formerly Invitae), Labcorp); PubMed 31879567 (cited by Labcorp Genetics (formerly Invitae), Labcorp); PubMed 32531858 (cited by Labcorp Genetics (formerly Invitae), Labcorp).

NM_201253.3(CRB1):c.407G>A (p.Cys136Tyr)

Gene: CRB1 (crumbs cell polarity complex component 1; plus strand). Cytogenetic location: 1q31.3.
Variant type: single nucleotide variant.
Coding change: c.407G>A on transcript NM_201253.3 (MANE Select); coding-DNA position 407, G replaced by A.
Protein change: p.Cys136Tyr; replaces cysteine 136 with tyrosine.
Molecular consequence: missense variant. On other transcripts: non-coding transcript variant (2).
Genome position (GRCh38, 1-based): chr1:197,328,758, G>A. VCF-style: chr1-197328758-G-A. GRCh37 (hg19) VCF-style: chr1-197297888-G-A.
Other names: c.407G>A, p.Cys136Tyr (NM_001193640.2, NM_001257966.2); c.200G>A, p.Cys67Tyr (NM_001257965.2); c.407G>A (NM_201253.2); short protein forms C67Y, C136Y.
Identifiers: ClinVar variation 871213 (VCV000871213.47), dbSNP rs752559648, ClinGen allele CA1311629.
Genomic context (GRCh38, chr1:197,328,758, plus strand): 5'-AGAACTCCTGCCAACATGGAGGTATTTGCCATCAGGACCCTATTTATCCTGTCTGCATCT[G>A]CCCTGCTGGATATGCTGGAAGATTCTGTGAGATAGATCACGATGAGTGTGCTTCCAGCCC-3'
Protein context (NP_957705.1, residues 126-146): HQDPIYPVCI[Cys136Tyr]PAGYAGRFCE